The following is an entry in ClinVar:

NM_201384.3(PLEC):c.7960T>C (p.Ser2654Pro)

Gene: PLEC (plectin; minus strand). Cytogenetic location: 8q24.3.
Variant type: single nucleotide variant.
Coding change: c.7960T>C on transcript NM_201384.3 (MANE Select); coding-DNA position 7960, T replaced by C.
Protein change: p.Ser2654Pro; replaces serine 2654 with proline.
Molecular consequence: missense variant.
Genome position (GRCh38, 1-based): chr8:143,921,861, A>G on the plus strand (T>C on the coding strand, the complement: PLEC is on the minus strand). VCF-style: chr8-143921861-A-G. GRCh37 (hg19) VCF-style: chr8-144996029-A-G.
Other names: p.Ser2640Pro; c.8041T>C, p.Ser2681Pro (NM_000445.5); c.7918T>C, p.Ser2640Pro (NM_201378.4); c.7894T>C, p.Ser2632Pro (NM_201379.3); c.8371T>C, p.Ser2791Pro (NM_201380.4); c.7864T>C, p.Ser2622Pro (NM_201381.3); c.7960T>C, p.Ser2654Pro (NM_201382.4); c.7972T>C, p.Ser2658Pro (NM_201383.3); short protein forms S2622P, S2632P, S2640P, S2654P, S2658P, S2681P, S2791P.
Identifiers: ClinVar variation 93083 (VCV000093083.24), dbSNP rs7833924, ClinGen allele CA146573.

ClinVar aggregate classification (germline): Benign. Review status: criteria provided, multiple submitters, no conflicts (2 of 4 stars). 14 submissions from 10 submitters: Benign (13). 1 of the submissions does not count toward it. Last evaluated 2026-02-04.

Conditions:
Epidermolysis bullosa simplex with nail dystrophy (EBS5D). Identifiers: MedGen C4225309, MONDO:0014661, OMIM 616487.
Epidermolysis bullosa simplex 5C, with pyloric atresia (EBS5C). Also called: PLEC-Related Epidermolysis Bullosa with Pyloric Atresia; Epidermolysis bullosa simplex with pyloric atresia; PLEC1-Related Epidermolysis Bullosa with Pyloric Atresia. Identifiers: Orphanet 158684, MedGen C2677349, MONDO:0012807, OMIM 612138.
Epidermolysis bullosa simplex 5B, with muscular dystrophy (EBS5B). Also called: EPIDERMOLYSIS BULLOSA SIMPLEX AND LIMB-GIRDLE MUSCULAR DYSTROPHY; Epidermolysis bullosa simplex with muscular dystrophy. Identifiers: Orphanet 257, MedGen C2931072, MONDO:0009181, OMIM 226670.
Autosomal recessive limb-girdle muscular dystrophy type 2Q (LGMDR17). Also called: MUSCULAR DYSTROPHY, LIMB-GIRDLE, AUTOSOMAL RECESSIVE 17. Identifiers: Orphanet 254361, MedGen C3150989, MONDO:0013390, OMIM 613723.
Epidermolysis bullosa simplex, Ogna type (EBS5A). Also called: Pidermolysis bullosa simplex 5A, Ogna type; EPIDERMOLYSIS BULLOSA SIMPLEX 5A, OGNA TYPE. Identifiers: Orphanet 79401, MedGen C0432317, MONDO:0007555, OMIM 131950.

Allele frequency attached by ClinVar (database versions not stated): gnomAD exomes 0.39782; ExAC 0.40851; 1000 Genomes Project 0.46665; 1000 Genomes Project 30x 0.48157; TOPMed 0.52800; gnomAD 0.53335 and 0.51934; ESP Exome Variant Server 0.56316.
gnomAD v4.1: 691,720 of 1,602,450 alleles (43%); highest among the groups gnomAD compares: African/African-American, 83%; 158,379 homozygotes.

Submissions (14):

Labcorp Genetics (formerly Invitae), Labcorp
Classification: Benign for Autosomal recessive limb-girdle muscular dystrophy type 2Q; Epidermolysis bullosa simplex, Ogna type; Epidermolysis bullosa simplex with nail dystrophy; Epidermolysis bullosa simplex 5C, with pyloric atresia; Epidermolysis bullosa simplex 5B, with muscular dystrophy. Last evaluated: 2026-02-04. Review status: criteria provided, single submitter. Criteria: Invitae Variant Classification Sherloc (09022015). Collection method: clinical testing. Allele origin: germline.

Blueprint Genetics
Classification: Benign. Last evaluated: 2024-11-27. Review status: criteria provided, single submitter. Criteria: ACMG Guidelines, 2015. Collection method: clinical testing. Allele origin: germline.

Genome-Nilou Lab
Classification: Benign for Epidermolysis bullosa simplex with nail dystrophy. Last evaluated: 2021-10-25. Review status: criteria provided, single submitter. Criteria: ACMG Guidelines, 2015. Collection method: clinical testing. Allele origin: germline. Affected: no.

Genome-Nilou Lab
Classification: Benign for Epidermolysis bullosa simplex, Ogna type. Last evaluated: 2021-10-25. Review status: criteria provided, single submitter. Criteria: ACMG Guidelines, 2015. Collection method: clinical testing. Allele origin: germline. Affected: no.

Genome-Nilou Lab
Classification: Benign for Epidermolysis bullosa simplex 5B, with muscular dystrophy. Last evaluated: 2021-10-25. Review status: criteria provided, single submitter. Criteria: ACMG Guidelines, 2015. Collection method: clinical testing. Allele origin: germline. Affected: no.

Genome-Nilou Lab
Classification: Benign for Epidermolysis bullosa simplex 5C, with pyloric atresia. Last evaluated: 2021-10-25. Review status: criteria provided, single submitter. Criteria: ACMG Guidelines, 2015. Collection method: clinical testing. Allele origin: germline. Affected: no.

Genome-Nilou Lab
Classification: Benign for Autosomal recessive limb-girdle muscular dystrophy type 2Q. Last evaluated: 2021-10-25. Review status: criteria provided, single submitter. Criteria: ACMG Guidelines, 2015. Collection method: clinical testing. Allele origin: germline. Affected: no.

Mayo Clinic Laboratories, Mayo Clinic
Classification: Benign. Last evaluated: 2017-07-24. Review status: criteria provided, single submitter. Criteria: ACMG Guidelines, 2015. Collection method: clinical testing. Allele origin: germline. Observed: 913 variant alleles.

GeneDx
Classification: Benign. Last evaluated: 2016-11-18. Review status: criteria provided, single submitter. Criteria: GeneDx Variant Classification (06012015). Collection method: clinical testing. Allele origin: germline. Affected: yes.
Comment: This variant is considered likely benign or benign based on one or more of the following criteria: it is a conservative change, it occurs at a poorly conserved position in the protein, it is predicted to be benign by multiple in silico algorithms, and/or has population frequency not consistent with disease.

Laboratory for Molecular Medicine, Mass General Brigham Personalized Medicine
Classification: Benign. Last evaluated: 2015-01-13. Review status: criteria provided, single submitter. Criteria: LMM Criteria. Collection method: clinical testing. Allele origin: germline. Observed: 10 variant alleles.
Comment: p.Ser2791Pro in exon 32 of PLEC: This variant is not expected to have clinical s ignificance because it has been identified in 43.1% (3635/8436) of European Amer ican chromosomes from a broad population by the NHLBI Exome Sequencing Project (dbSNP rs7833924).

Eurofins Ntd Llc (ga)
Classification: Benign. Last evaluated: 2013-04-18. Review status: criteria provided, single submitter. Criteria: EGL Classification Definitions 2015. Collection method: clinical testing. Allele origin: germline. Observed: 9 variant alleles, 6 heterozygotes, 3 homozygotes.

Breakthrough Genomics
Classification: Benign. Review status: criteria provided, single submitter. Criteria: ACMG Guidelines, 2015. Collection method: not provided. Allele origin: germline. Inheritance: Autosomal recessive inheritance. Affected: yes.

PreventionGenetics, part of Exact Sciences
Classification: Benign. Review status: criteria provided, single submitter. Criteria: ACMG Guidelines, 2015. Collection method: clinical testing. Allele origin: germline.

Genetic Services Laboratory, University of Chicago
Classification: Likely benign for AllHighlyPenetrant. Review status: no assertion criteria provided. Collection method: clinical testing. Allele origin: germline. Inheritance: Autosomal recessive inheritance. Not counted in ClinVar's aggregate classification.
Comment: Likely benign based on allele frequency in 1000 Genomes Project or ESP global frequency and its presence in a patient with a rare or unrelated disease phenotype. NOT Sanger confirmed.